The following is an entry in ClinVar:

ClinVar aggregate classification (germline): Uncertain significance (1 of 4 stars; one submission).

Submission:

Labcorp Genetics (formerly Invitae), Labcorp
Classification: Uncertain significance. Last evaluated: 2021-09-15. Review status: criteria provided, single submitter. Criteria: Invitae Variant Classification Sherloc (09022015). Collection method: clinical testing. Allele origin: germline.
Comment: This variant results in a copy number gain of the genomic region encompassing exon(s) 10-31 of the ABCC6 gene. This region includes the termination codon of the gene. This copy number gain extends beyond the assayed region for this gene and therefore may encompass additional genes. As the precise location of this event is unknown, it may be in tandem or it may be located elsewhere in the genome. This variant has not been reported in the literature in individuals affected with ABCC6-related conditions. Experimental studies and prediction algorithms are not available or were not evaluated, and the functional significance of this variant is currently unknown. In summary, the available evidence is currently insufficient to determine the role of this variant in disease. Therefore, it has been classified as a Variant of Uncertain Significance.

NC_000016.9:g.(?_16243990)_(16292059_?)dup

Gene: ABCC6 (ATP binding cassette subfamily C member 6; minus strand). Cytogenetic location: 16p13.11.
Variant type: Duplication.
Identifiers: ClinVar variation 1410310 (VCV001410310.1).